The following is an entry in ClinVar:

NM_021729.6(VPS11):c.256C>T (p.Arg86Trp)

Gene: VPS11 (VPS11 core subunit of CORVET and HOPS complexes; plus strand). Cytogenetic location: 11q23.3.
Variant type: single nucleotide variant.
Coding change: c.256C>T on transcript NM_021729.6 (MANE Select); coding-DNA position 256, C replaced by T.
Protein change: p.Arg86Trp; replaces arginine 86 with tryptophan.
Molecular consequence: missense variant. On other transcripts: non-coding transcript variant (8).
Genome position (GRCh38, 1-based): chr11:119,069,264, C>T. VCF-style: chr11-119069264-C-T. GRCh37 (hg19) VCF-style: chr11-118939974-C-T.
Other names: c.226C>T, p.Arg76Trp (NM_001290185.2, NM_001378221.1); c.256C>T, p.Arg86Trp (NM_001378218.1, NM_001378219.1, NM_001378220.1); short protein forms R86W, R76W.
Identifiers: ClinVar variation 1517711 (VCV001517711.3), dbSNP rs527384457, ClinGen allele CA229659804.

ClinVar aggregate classification (germline): Uncertain significance (1 of 4 stars; one submission).

Allele frequency attached by ClinVar (database versions not stated): gnomAD 0.00002 and 0.00003; TOPMed 0.00005; ExAC 0.00006; 1000 Genomes Project 0.00020; 1000 Genomes Project 30x 0.00031.

Submission:

Labcorp Genetics (formerly Invitae), Labcorp
Classification: Uncertain significance. Last evaluated: 2022-04-06. Review status: criteria provided, single submitter. Criteria: Invitae Variant Classification Sherloc (09022015). Collection method: clinical testing. Allele origin: germline.
Comment: This sequence change replaces arginine, which is basic and polar, with tryptophan, which is neutral and slightly polar, at codon 86 of the VPS11 protein (p.Arg86Trp). This variant is present in population databases (rs527384457, gnomAD 0.04%). This variant has not been reported in the literature in individuals affected with VPS11-related conditions. Experimental studies and prediction algorithms are not available or were not evaluated, and the functional significance of this variant is currently unknown. In summary, the available evidence is currently insufficient to determine the role of this variant in disease. Therefore, it has been classified as a Variant of Uncertain Significance.